The following is an entry in ClinVar:

NM_001041.4(SI):c.1753A>G (p.Ile585Val)

Gene: SI (sucrase-isomaltase; minus strand). Cytogenetic location: 3q26.1.
Variant type: single nucleotide variant.
Coding change: c.1753A>G on transcript NM_001041.4 (MANE Select); coding-DNA position 1753, A replaced by G.
Protein change: p.Ile585Val; replaces isoleucine 585 with valine.
Molecular consequence: missense variant.
Genome position (GRCh38, 1-based): chr3:165,046,975, T>C on the plus strand (A>G on the coding strand, the complement: SI is on the minus strand). VCF-style: chr3-165046975-T-C. GRCh37 (hg19) VCF-style: chr3-164764763-T-C.
Other names: short protein forms I585V.
Identifiers: ClinVar variation 3701810 (VCV003701810.2).

ClinVar aggregate classification (germline): Uncertain significance (1 of 4 stars; one submission).

gnomAD v4.1: 3 of 1,611,204 alleles (0.00019%); highest among the groups gnomAD compares: South Asian, 0.0033%; no homozygotes.

Submission:

Labcorp Genetics (formerly Invitae), Labcorp
Classification: Uncertain significance. Last evaluated: 2025-01-23. Review status: criteria provided, single submitter. Criteria: Invitae Variant Classification Sherloc (09022015). Collection method: clinical testing. Allele origin: germline.
Comment: This sequence change replaces isoleucine, which is neutral and non-polar, with valine, which is neutral and non-polar, at codon 585 of the SI protein (p.Ile585Val). This variant is not present in population databases (gnomAD no frequency). This variant has not been reported in the literature in individuals affected with SI-related conditions. Invitae Evidence Modeling of protein sequence and biophysical properties (such as structural, functional, and spatial information, amino acid conservation, physicochemical variation, residue mobility, and thermodynamic stability) indicates that this missense variant is not expected to disrupt SI protein function with a negative predictive value of 95%. In summary, the available evidence is currently insufficient to determine the role of this variant in disease. Therefore, it has been classified as a Variant of Uncertain Significance.